The following is an entry in ClinVar:

ClinVar aggregate classification (germline): Uncertain significance. Review status: criteria provided, single submitter (1 of 4 stars). 2 submissions from 2 submitters: Uncertain significance (1). 1 of the submissions does not count toward it. Last evaluated 2022-12-06.

Conditions:
ARHGAP24-related disorder. Also called: ARHGAP24-related condition.

Allele frequency attached by ClinVar (database versions not stated): TOPMed 0.00002; gnomAD 0.00003; ExAC 0.00004; gnomAD exomes 0.00005.
gnomAD v4.1: 73 of 1,613,946 alleles (0.0045%); highest among the groups gnomAD compares: Middle Eastern, 0.049%; no homozygotes.

Submissions (2):

Ambry Genetics
Classification: Uncertain significance. Last evaluated: 2022-12-06. Review status: criteria provided, single submitter. Criteria: Ambry Variant Classification Scheme 2023. Collection method: clinical testing. Allele origin: germline.

PreventionGenetics, part of Exact Sciences
Classification: Uncertain significance for ARHGAP24-related condition. Last evaluated: 2024-03-19. Review status: no assertion criteria provided. Collection method: clinical testing. Allele origin: germline. Not counted in ClinVar's aggregate classification.
Comment: The ARHGAP24 c.1160T>C variant is predicted to result in the amino acid substitution p.Met387Thr. To our knowledge, this variant has not been reported in the literature. This variant is reported in 0.0088% of alleles in individuals of European (Non-Finnish) descent in gnomAD. At this time, the clinical significance of this variant is uncertain due to the absence of conclusive functional and genetic evidence.

NM_001025616.3(ARHGAP24):c.1160T>C (p.Met387Thr)

Gene: ARHGAP24 (Rho GTPase activating protein 24; plus strand). Cytogenetic location: 4q21.23.
Variant type: single nucleotide variant.
Coding change: c.1160T>C on transcript NM_001025616.3 (MANE Select); coding-DNA position 1160, T replaced by C.
Protein change: p.Met387Thr; replaces methionine 387 with threonine.
Molecular consequence: missense variant.
Genome position (GRCh38, 1-based): chr4:85,994,814, T>C. VCF-style: chr4-85994814-T-C. GRCh37 (hg19) VCF-style: chr4-86915967-T-C.
Other names: c.875T>C, p.Met292Thr (NM_001042669.2); c.905T>C, p.Met302Thr (NM_001287805.2); c.581T>C, p.Met194Thr (NM_001346093.2); c.881T>C, p.Met294Thr (NM_031305.3); short protein forms M194T, M302T, M387T, M292T, M294T.
Identifiers: ClinVar variation 2206816 (VCV002206816.3), dbSNP rs760378697, ClinGen allele CA2994681.